The following is an entry in ClinVar:

NM_133510.4(RAD51B):c.-3+5T>C

Genes: RAD51B (RAD51 paralog B; plus strand), LOC112272550 (Sharpr-MPRA regulatory region 13811; plus strand). Cytogenetic location: 14q24.1.
Variant type: single nucleotide variant.
Coding change: c.-3+5T>C on transcript NM_133510.4 (MANE Select); 5 bases into the intron after 3 bases upstream of the start codon, T replaced by C.
Molecular consequence: intron variant.
Genome position (GRCh38, 1-based): chr14:67,819,858, T>C. VCF-style: chr14-67819858-T-C. GRCh37 (hg19) VCF-style: chr14-68286575-T-C.
Other names: c.-3+5T>C (NM_001321818.2, NM_001321809.2, NM_001321821.2 and 5 more transcripts); c.-458+5T>C (NM_001321817.2).
Identifiers: ClinVar variation 3942291 (VCV003942291.1).

ClinVar aggregate classification (germline): Uncertain significance (1 of 4 stars; one submission).

gnomAD v4.1: 2 of 152,236 alleles (0.0013%); highest among the groups gnomAD compares: Non-Finnish European, 0.0029%; no homozygotes.

Submission:

Ambry Genetics
Classification: Uncertain significance. Last evaluated: 2025-06-12. Review status: criteria provided, single submitter. Criteria: Ambry Variant Classification Scheme 2023. Collection method: clinical testing. Allele origin: germline.
Comment: The c.-3+5T>C intronic variant results from a T to C substitution 5 nucleotides after the first non-coding exon in the RAD51B gene. This nucleotide position is well conserved in available vertebrate species. In silico splice site analysis predicts that this alteration will not have any significant effect on splicing. The evidence for this gene-disease relationship is limited; therefore, the clinical significance of this alteration is unclear.